The following is an entry in ClinVar:

NM_006164.5(NFE2L2):c.1233G>T (p.Gln411His)

Gene: NFE2L2 (NFE2 like bZIP transcription factor 2; minus strand). Cytogenetic location: 2q31.2.
Variant type: single nucleotide variant.
Coding change: c.1233G>T on transcript NM_006164.5 (MANE Select); coding-DNA position 1233, G replaced by T.
Protein change: p.Gln411His; replaces glutamine 411 with histidine.
Molecular consequence: missense variant.
Genome position (GRCh38, 1-based): chr2:177,231,370, C>A on the plus strand (G>T on the coding strand, the complement: NFE2L2 is on the minus strand). VCF-style: chr2-177231370-C-A. GRCh37 (hg19) VCF-style: chr2-178096098-C-A.
Other names: c.1185G>T, p.Gln395His (NM_001145412.3, NM_001313900.1, NM_001313901.1); c.1164G>T, p.Gln388His (NM_001145413.3); c.1143G>T, p.Gln381His (NM_001313902.2); c.1014G>T, p.Gln338His (NM_001313903.2); c.933G>T, p.Gln311His (NM_001313904.1); short protein forms Q411H, Q338H, Q395H, Q381H, Q388H, Q311H.
Identifiers: ClinVar variation 4768140 (VCV004768140.1).

ClinVar aggregate classification (germline): Uncertain significance (1 of 4 stars; one submission).

Submission:

Labcorp Genetics (formerly Invitae), Labcorp
Classification: Uncertain significance. Last evaluated: 2025-05-22. Review status: criteria provided, single submitter. Criteria: Invitae Variant Classification Sherloc (09022015). Collection method: clinical testing. Allele origin: germline.
Comment: This sequence change replaces glutamine, which is neutral and polar, with histidine, which is basic and polar, at codon 411 of the NFE2L2 protein (p.Gln411His). This variant is not present in population databases (gnomAD no frequency). This variant has not been reported in the literature in individuals affected with NFE2L2-related conditions. Invitae Evidence Modeling of protein sequence and biophysical properties (such as structural, functional, and spatial information, amino acid conservation, physicochemical variation, residue mobility, and thermodynamic stability) indicates that this missense variant is not expected to disrupt NFE2L2 protein function with a negative predictive value of 80%. In summary, the available evidence is currently insufficient to determine the role of this variant in disease. Therefore, it has been classified as a Variant of Uncertain Significance.